The following is an entry in ClinVar:

NM_001080421.3(UNC13A):c.3176_3177delinsATG (p.Ile1059fs)

Gene: UNC13A (unc-13 homolog A; minus strand). Cytogenetic location: 19p13.11.
Variant type: Indel.
Coding change: c.3176_3177delinsATG on transcript NM_001080421.3 (MANE Select); coding-DNA positions 3176 to 3177, TT replaced by ATG.
Protein change: p.Ile1059fs; shifts the reading frame from isoleucine 1059.
Molecular consequence: frameshift variant.
Genome position (GRCh38, 1-based): chr19:17,636,062-17,636,063, AA replaced by CAT on the plus strand (TT replaced by ATG on the coding strand, the reverse complement: UNC13A is on the minus strand). VCF-style: chr19-17636062-AA-CAT. GRCh37 (hg19) VCF-style: chr19-17746871-AA-CAT.
Other names: c.3170_3171delinsATG, p.Ile1057fs (NM_001387021.1, NM_001387022.1, NM_001387023.1); short protein forms I1057fs, I1059fs.
Identifiers: ClinVar variation 4532667 (VCV004532667.1).

ClinVar aggregate classification (germline): Uncertain significance (1 of 4 stars; one submission).

Submission:

GeneDx
Classification: Uncertain significance. Last evaluated: 2025-06-01. Review status: criteria provided, single submitter. Criteria: GeneDx Variant Classification Process June 2021. Collection method: clinical testing. Allele origin: germline. Affected: yes.
Comment: Frameshift variant predicted to result in protein truncation or nonsense mediated decay in a gene or region of a gene for which loss of function is not a well-established mechanism of disease; Not observed at significant frequency in large population cohorts (gnomAD); Has not been previously published as pathogenic or benign to our knowledge